The following is an entry in ClinVar:

ClinVar aggregate classification (germline): Uncertain significance (1 of 4 stars; one submission).

Submission:

Labcorp Genetics (formerly Invitae), Labcorp
Classification: Uncertain significance. Last evaluated: 2018-03-10. Review status: criteria provided, single submitter. Criteria: Invitae Variant Classification Sherloc (09022015). Collection method: clinical testing. Allele origin: germline.
Comment: In summary, this variant is an Alu-mediated insertion with uncertain impact on protein function. It has been classified as a Variant of Uncertain Significance. Experimental studies and prediction algorithms are not available for this variant, and the functional significance of the inserted amino acids is currently unknown. This variant is not present in population databases (ExAC no frequency) and has not been reported in the literature in individuals with an XRCC2-related disease. This sequence change is an Alu-mediated insertion in exon 3 of the XRCC2 mRNA (c.822_823insAlu), causing a frameshift at codon 275 (p.Ser275fs). The exact size and sequence of the insertion cannot be determined by the current assay. However, this sequence change disrupts the translational stop signal of the XRCC2 mRNA and is expected to extend the length of the XRCC2 protein by an unknown number of additional amino acid residues.

NM_005431.2(XRCC2):c.822_823insTTTTTTTTTTTTTTTTTNNNNNNNNNNNNGATCTCCTGACCTCATGATCCACCCGCCTCGGCCTCCCAAAGTGCTGGGATTACAGGCGTGAGCCACCGCGCCCAGCC (p.Ser275delinsPhePhePhePhePheXaaXaaXaaXaaXaaIleSerTer)

Gene: XRCC2 (X-ray repair cross complementing 2; minus strand). Cytogenetic location: 7q36.1.
Variant type: Insertion.
Coding change: c.822_823insTTTTTTTTTTTTTTTTTNNNNNNNNNNNNGATCTCCTGACCTCATGATCCACCCGCCTCGGCCTCCCAAAGTGCTGGGATTACAGGCGTGAGCCACCGCGCCCAGCC on transcript NM_005431.2 (MANE Select); coding-DNA positions 822 to 823, TTTTTTTTTTTTTTTTTNNNNNNNNNNNNGATCTCCTGACCTCATGATCCACCCGCCTCGGCCTCCCAAAGTGCTGGGATTACAGGCGTGAGCCACCGCGCCCAGCC inserted.
Protein change: p.Ser275delinsPhePhePhePhePheXaaXaaXaaXaaXaaIleSerTer.
Molecular consequence: nonsense.
Genome position: GRCh38: chr7:152,648,662-152,648,663. GRCh37 (hg19): chr7:152,345,747-152,345,748.
Identifiers: ClinVar variation 1350619 (VCV001350619.8), dbSNP rs2116986907.